The following is an entry in ClinVar:

NM_032242.4(PLXNA1):c.1038G>A (p.Lys346=)

Gene: PLXNA1 (plexin A1; plus strand). Cytogenetic location: 3q21.3.
Variant type: single nucleotide variant.
Coding change: c.1038G>A on transcript NM_032242.4 (MANE Select); coding-DNA position 1038, G replaced by A.
Protein change: p.Lys346=; no amino-acid change (lysine 346 retained).
Molecular consequence: synonymous variant.
Genome position (GRCh38, 1-based): chr3:126,989,631, G>A. VCF-style: chr3-126989631-G-A. GRCh37 (hg19) VCF-style: chr3-126708474-G-A.
Identifiers: ClinVar variation 3356651 (VCV003356651.1).

ClinVar aggregate classification (germline): Likely benign (0 of 4 stars; one submission).

Conditions:
PLXNA1-related disorder. Also called: PLXNA1-related condition.

Submission:

PreventionGenetics, part of Exact Sciences
Classification: Likely benign for PLXNA1-related condition. Last evaluated: 2024-07-10. Review status: no assertion criteria provided. Collection method: clinical testing. Allele origin: germline.
Comment: This variant is classified as likely benign based on ACMG/AMP sequence variant interpretation guidelines (Richards et al. 2015 PMID: 25741868, with internal and published modifications).